The following is an entry in ClinVar:

ClinVar aggregate classification (germline): Uncertain significance (1 of 4 stars; one submission).

Conditions:
3-hydroxy-3-methylglutaryl-CoA synthase deficiency (HMGCS2D). Also called: HMGCS2 DEFICIENCY; MITOCHONDRIAL HMG-CoA SYNTHASE DEFICIENCY; HMG-CoA synthase-2 deficiency. Identifiers: Orphanet 35701, MedGen C2751532, MONDO:0011614, OMIM 605911.

Submission:

Labcorp Genetics (formerly Invitae), Labcorp
Classification: Uncertain significance for 3-hydroxy-3-methylglutaryl-CoA synthase deficiency. Last evaluated: 2021-05-28. Review status: criteria provided, single submitter. Criteria: Invitae Variant Classification Sherloc (09022015). Collection method: clinical testing. Allele origin: germline.
Comment: In summary, the available evidence is currently insufficient to determine the role of this variant in disease. Therefore, it has been classified as a Variant of Uncertain Significance. Algorithms developed to predict the effect of missense changes on protein structure and function are either unavailable or do not agree on the potential impact of this missense change (SIFT: "Deleterious"; PolyPhen-2: "Benign"; Align-GVGD: "Class C0"). This variant has not been reported in the literature in individuals with HMGCS2-related conditions. This variant is not present in population databases (ExAC no frequency). This sequence change replaces methionine with isoleucine at codon 235 of the HMGCS2 protein (p.Met235Ile). The methionine residue is highly conserved and there is a small physicochemical difference between methionine and isoleucine.

NM_005518.4(HMGCS2):c.705G>A (p.Met235Ile)

Gene: HMGCS2 (3-hydroxy-3-methylglutaryl-CoA synthase 2; minus strand). Cytogenetic location: 1p12.
Variant type: single nucleotide variant.
Coding change: c.705G>A on transcript NM_005518.4 (MANE Select); coding-DNA position 705, G replaced by A.
Protein change: p.Met235Ile; replaces methionine 235 with isoleucine.
Molecular consequence: missense variant.
Genome position (GRCh38, 1-based): chr1:119,759,263, C>T on the plus strand (G>A on the coding strand, the complement: HMGCS2 is on the minus strand). VCF-style: chr1-119759263-C-T. GRCh37 (hg19) VCF-style: chr1-120301886-C-T.
Other names: c.579G>A, p.Met193Ile (NM_001166107.1); short protein forms M193I, M235I.
Identifiers: ClinVar variation 1356908 (VCV001356908.8), dbSNP rs2101262597, ClinGen allele CA341862591.
Genomic context (GRCh38, chr1:119,759,263, plus strand): 5'-CCCATCCACTATTGGGTACTCCGAGGCCAAATTTGGTTTGTAGAAGTCATACACATTCTC[C>T]ATATGGGTTCCCCTCAGCCCTGGAAAGGCACACAAAGTGTTTCAGAGACTACACAATGCA-3'
Protein context (NP_005509.1, residues 225-245): ALERGLRGTH[Met235Ile]ENVYDFYKPN